The following is an entry in ClinVar:

NM_002907.4(RECQL):c.1315A>C (p.Lys439Gln)

Gene: RECQL (RecQ like helicase; minus strand). Cytogenetic location: 12p12.1.
Variant type: single nucleotide variant.
Coding change: c.1315A>C on transcript NM_002907.4 (MANE Select); coding-DNA position 1315, A replaced by C.
Protein change: p.Lys439Gln; replaces lysine 439 with glutamine.
Molecular consequence: missense variant.
Genome position (GRCh38, 1-based): chr12:21,474,881, T>G on the plus strand (A>C on the coding strand, the complement: RECQL is on the minus strand). VCF-style: chr12-21474881-T-G. GRCh37 (hg19) VCF-style: chr12-21627815-T-G.
Other names: c.1315A>C, p.Lys439Gln (NM_032941.3); short protein forms K439Q.
Identifiers: ClinVar variation 1439630 (VCV001439630.11), dbSNP rs1338692162, ClinGen allele CA384118318.

ClinVar aggregate classification (germline): Uncertain significance. Review status: criteria provided, multiple submitters, no conflicts (2 of 4 stars). 2 submissions from 2 submitters: Uncertain significance (2). Last evaluated 2023-08-31.

Allele frequency attached by ClinVar (database versions not stated): gnomAD exomes below 0.00001; gnomAD 0.00001.
gnomAD v4.1: 6 of 1,613,086 alleles (0.00037%); highest among the groups gnomAD compares: South Asian, 0.0011%; no homozygotes.

Submissions (2):

Ambry Genetics
Classification: Uncertain significance. Last evaluated: 2023-08-31. Review status: criteria provided, single submitter. Criteria: Ambry Variant Classification Scheme 2023. Collection method: clinical testing. Allele origin: germline.
Comment: The p.K439Q variant (also known as c.1315A>C), located in coding exon 10 of the RECQL gene, results from an A to C substitution at nucleotide position 1315. The lysine at codon 439 is replaced by glutamine, an amino acid with similar properties. This amino acid position is highly conserved in available vertebrate species. In addition, this alteration is predicted to be tolerated by in silico analysis. The evidence for this gene-disease relationship is limited; therefore, the clinical significance of this alteration is unclear.

Labcorp Genetics (formerly Invitae), Labcorp
Classification: Uncertain significance. Last evaluated: 2021-01-22. Review status: criteria provided, single submitter. Criteria: Invitae Variant Classification Sherloc (09022015). Collection method: clinical testing. Allele origin: germline.
Comment: This sequence change replaces lysine with glutamine at codon 439 of the RECQL protein (p.Lys439Gln). The lysine residue is highly conserved and there is a small physicochemical difference between lysine and glutamine. This variant is not present in population databases (ExAC no frequency). This variant has not been reported in the literature in individuals with RECQL-related conditions. Algorithms developed to predict the effect of missense changes on protein structure and function are either unavailable or do not agree on the potential impact of this missense change (SIFT: "Deleterious"; PolyPhen-2: "Probably Damaging"; Align-GVGD: "Class C0"). In summary, the available evidence is currently insufficient to determine the role of this variant in disease. Therefore, it has been classified as a Variant of Uncertain Significance.